The following is an entry in ClinVar:

NM_001276345.2(TNNT2):c.811-13A>C

Gene: TNNT2 (troponin T2, cardiac type; minus strand). Cytogenetic location: 1q32.1.
Variant type: single nucleotide variant.
Coding change: c.811-13A>C on transcript NM_001276345.2 (MANE Select); 13 bases into the intron before coding-DNA position 811, A replaced by C.
Molecular consequence: intron variant.
Genome position (GRCh38, 1-based): chr1:201,359,676, T>G on the plus strand (A>C on the coding strand, the complement: TNNT2 is on the minus strand). VCF-style: chr1-201359676-T-G. GRCh37 (hg19) VCF-style: chr1-201328804-T-G.
Other names: c.772-13A>C (NM_001406727.1, NM_001001431.3, NM_001406726.1); c.781-13A>C (NM_001406724.1, NM_001001430.3, NM_001276347.2); c.763-13A>C (NM_001001432.3); c.766-13A>C (NM_001406728.1); c.778-13A>C (NM_001406725.1); c.682-13A>C (NM_001276346.2); c.802-13A>C (NM_000364.4, NM_001406723.1).
Identifiers: ClinVar variation 2774626 (VCV002774626.2), dbSNP rs917942614, ClinGen allele CA35416201.

ClinVar aggregate classification (germline): Uncertain significance (1 of 4 stars; one submission).

Conditions:
Cardiomyopathy (CMYO). Also called: Cardiomyopathies. Identifiers: Orphanet 167848, MedGen C0878544, MONDO:0004994, HP:0001638. Inheritance: Various modes of inheritance.

Allele frequency attached by ClinVar (database versions not stated): TOPMed below 0.00001.

Submission:

Color Diagnostics, LLC DBA Color Health
Classification: Uncertain significance for Cardiomyopathy. Last evaluated: 2023-01-03. Review status: criteria provided, single submitter. Criteria: ACMG Guidelines, 2015. Collection method: clinical testing. Allele origin: germline.
Comment: This variant causes an A to C nucleotide substitution at the -13 position of intron 14 of the TNNT2 gene. Splice prediction tools and conservation analysis are inconclusive regarding the impact of this variant on RNA splicing. To our knowledge, functional studies have not been reported for this variant. This variant has not been reported in individuals affected with TNNT2-related disorders in the literature. This variant has not been identified in the general population by the Genome Aggregation Database (gnomAD). The available evidence is insufficient to determine the role of this variant in disease conclusively. Therefore, this variant is classified as a Variant of Uncertain Significance.